The following is an entry in ClinVar:

Single allele

Genes: ANGPTL6 (angiopoietin like 6; minus strand), EIF3G (eukaryotic translation initiation factor 3 subunit G; minus strand), P2RY11 (purinergic receptor P2Y11; plus strand), PPAN (peter pan homolog; plus strand), PPAN-P2RY11 (PPAN-P2RY11 readthrough; plus strand) and 2 more. Cytogenetic location: 19p13.2.
Variant type: Duplication.
Identifiers: ClinVar variation 560043 (VCV000560043.3).

ClinVar aggregate classification (germline): Uncertain significance (1 of 4 stars; one submission).

Submission:

Geisinger Autism and Developmental Medicine Institute, Geisinger Health System
Classification: Uncertain significance. Last evaluated: 2018-02-26. Review status: criteria provided, single submitter. Criteria: ACMG CNV Guidelines, 2011. Collection method: provider interpretation. Allele origin: de novo.